The following is an entry in ClinVar:

NM_001540.5(HSPB1):c.407G>T (p.Arg136Leu)

Gene: HSPB1 (heat shock protein family B (small) member 1; plus strand). Cytogenetic location: 7q11.23.
Variant type: single nucleotide variant.
Coding change: c.407G>T on transcript NM_001540.5 (MANE Select); coding-DNA position 407, G replaced by T.
Protein change: p.Arg136Leu; replaces arginine 136 with leucine.
Molecular consequence: missense variant.
Genome position (GRCh38, 1-based): chr7:76,303,844, G>T. VCF-style: chr7-76303844-G-T. GRCh37 (hg19) VCF-style: chr7-75933161-G-T.
Other names: c.407G>T (LRG_248t1); short protein forms R136L.
Identifiers: ClinVar variation 217230 (VCV000217230.53), dbSNP rs863225022, ClinGen allele CA279079.

ClinVar aggregate classification (germline): Pathogenic/Likely pathogenic. Review status: criteria provided, multiple submitters, no conflicts (2 of 4 stars). 12 submissions from 12 submitters: Pathogenic (9); Likely pathogenic (1). 2 of the submissions do not count toward it. Last evaluated 2025-12-02.

Conditions:
Inborn genetic diseases. Identifiers: MedGen C0950123, MeSH D030342.
Charcot-Marie-Tooth disease. Also called: Charcot-Marie-Tooth Hereditary Neuropathy; Charcot-Marie-Tooth Neuropathy. Identifiers: Orphanet 166, MedGen C0007959, MONDO:0015626.
Neuronopathy, distal hereditary motor, type 2B. Also called: NEURONOPATHY, DISTAL HEREDITARY MOTOR, AUTOSOMAL DOMINANT 3; NEURONOPATHY, DISTAL HEREDITARY MOTOR, HARDING TYPE IIB; NEUROPATHY, DISTAL HEREDITARY MOTOR, HARDING TYPE IIB; HMN IIB. Identifiers: Orphanet 139525, MedGen C2608087, MONDO:0012080, OMIM 608634.
Charcot-Marie-Tooth disease axonal type 2F (CMT2F). Also called: CHARCOT-MARIE-TOOTH DISEASE, NEURONAL, TYPE 2F; Charcot-Marie-Tooth Neuropathy Type 2F. Identifiers: Orphanet 99940, MedGen C1847823, MONDO:0011687, OMIM 606595.

Submissions (12):

Women's Health and Genetics/Laboratory Corporation of America, LabCorp
Classification: Pathogenic for Charcot-Marie-Tooth disease axonal type 2F. Last evaluated: 2025-12-02. Review status: criteria provided, single submitter. Criteria: LabCorp Variant Classification Summary - May 2015. Collection method: clinical testing. Allele origin: germline.
Comment: Variant summary: HSPB1 c.407G>T (p.Arg136Leu) results in a non-conservative amino acid change in the encoded protein sequence. Algorithms developed to predict the effect of missense changes on protein structure and function all suggest that this variant is likely to be disruptive. The variant allele was found at a frequency of 4e-06 in 249166 control chromosomes. c.407G>T has been observed in multiple individuals affected with Charcot-Marie-Tooth disease axonal type 2F/distal hereditary motor neuropathy (e.g., Lempel_2024). These data indicate that the variant is very likely to be associated with disease. The following publication has been ascertained in the context of this evaluation (PMID: 38968664). ClinVar contains an entry for this variant (Variation ID: 217230). Based on the evidence outlined above, the variant was classified as pathogenic.

Labcorp Genetics (formerly Invitae), Labcorp
Classification: Pathogenic for Charcot-Marie-Tooth disease axonal type 2F. Last evaluated: 2025-10-23. Review status: criteria provided, single submitter. Criteria: Invitae Variant Classification Sherloc (09022015). Collection method: clinical testing. Allele origin: germline.
Comment: This sequence change replaces arginine, which is basic and polar, with leucine, which is neutral and non-polar, at codon 136 of the HSPB1 protein (p.Arg136Leu). This variant is present in population databases (no rsID available, gnomAD no frequency). This missense change has been observed in individuals with clinical features of autosomal dominant Charcot-Marie-Tooth disease type 2 and distal hereditary motor neuropathy (PMID: 21611841, 22176143, 25547330, 26989944). It has also been observed to segregate with disease in related individuals. ClinVar contains an entry for this variant (Variation ID: 217230). Invitae Evidence Modeling of protein sequence and biophysical properties (such as structural, functional, and spatial information, amino acid conservation, physicochemical variation, residue mobility, and thermodynamic stability) indicates that this missense variant is expected to disrupt HSPB1 protein function with a positive predictive value of 95%. This variant disrupts the p.Arg136 amino acid residue in HSPB1. Other variant(s) that disrupt this residue have been observed in individuals with HSPB1-related conditions (PMID: 15122254, 20178975, 22521462), which suggests that this may be a clinically significant amino acid residue. For these reasons, this variant has been classified as Pathogenic.

Variantyx, Inc.
Classification: Pathogenic for Charcot-Marie-Tooth disease axonal type 2F. Last evaluated: 2025-03-14. Review status: criteria provided, single submitter. Criteria: Variantyx Assertion Criteria 2022. Collection method: clinical testing. Allele origin: maternal.
Comment: This is a nonsynonymous variant in the HSPB1 gene (OMIM: 602195). Pathogenic variants in this gene have been associated with autosomal dominant Charcot-Marie-Tooth disease type 2F. This variant has been reported in at least 4 unrelated affected individual(s) (PMID: 21611841, 25547330, 22176143) (PS4_Moderate). This variant has been observed to segregate with disease in at least 17 individuals from 2 families (PMID: 21611841, 25547330) (PP1_Strong). This variant lies within a known hotspot for pathogenic variants or a well-established critical functional domain of the HSPB1 protein (PM1). Multiple computational algorithms predict a deleterious effect for this variant (REVEL score: 0.912) (PP3_Moderate). This variant has a 0.0001% maximum allele frequency in non-founder control populations (PM2_Supporting). Based on the current evidence, this variant is classified as pathogenic for autosomal dominant Charcot-Marie-Tooth disease type 2F.

Equipe Genetique des Anomalies du Developpement, Université de Bourgogne
Classification: Pathogenic for Charcot-Marie-Tooth disease axonal type 2F. Last evaluated: 2024-10-07. Review status: criteria provided, single submitter. Criteria: ACMG Guidelines, 2015. Collection method: clinical testing. Allele origin: germline. Affected: yes.
Comment: This missense variant has been reported multiple times as pathogenic or likely pathogenic in ClinVar. It has been reported in patients presenting with Charcot-Marie-Tooth, type 2 (OMIM # 606595) (PMID 25547330). This variant is not present in genome population database gnomAD (v4.1.0). Based on the evidence outlined above, the variant was classified as pathogenic.

GeneDx
Classification: Pathogenic. Last evaluated: 2024-07-15. Review status: criteria provided, single submitter. Criteria: GeneDx Variant Classification Process June 2021. Collection method: clinical testing. Allele origin: germline. Affected: yes.
Comment: Not observed at significant frequency in large population cohorts (gnomAD); In silico analysis supports that this missense variant has a deleterious effect on protein structure/function; This variant is associated with the following publications: (PMID: 32334137, 32301006, 26989944, 25547330, 24607769, Scalia2021[Review], 34129932, 31902012, 33943041, 22176143, 21611841, 33973728, 38968664, 37170966)

Kariminejad - Najmabadi Pathology & Genetics Center
Classification: Likely pathogenic for Charcot-Marie-Tooth disease axonal type 2F; Neuronopathy, distal hereditary motor, type 2B. Last evaluated: 2022-02-21. Review status: criteria provided, single submitter. Criteria: ACMG Guidelines, 2015. Collection method: clinical testing. Allele origin: germline. Inheritance: Autosomal dominant inheritance. Affected: yes.
Comment: PS4_Moderate, PM1, PM2, PM5, PP3, PP2(?)

CeGaT Center for Human Genetics Tuebingen
Classification: Pathogenic. Last evaluated: 2019-09-01. Review status: criteria provided, single submitter. Criteria: CeGaT Center For Human Genetics Tuebingen Variant Classification Criteria Version 2. Collection method: clinical testing. Allele origin: germline. Affected: yes. Observed: 1 variant allele.

Ambry Genetics
Classification: Pathogenic for Inborn genetic diseases. Last evaluated: 2015-11-23. Review status: criteria provided, single submitter. Criteria: Ambry exome assertion method (8-5-2015). Collection method: clinical testing. Allele origin: germline. Affected: yes. Observed: 1 variant allele.

Athena Diagnostics
Classification: Pathogenic for Charcot-Marie-Tooth disease type 2F. Last evaluated: 2015-07-17. Review status: criteria provided, single submitter. Criteria: Athena Diagnostics Criteria. Collection method: clinical testing. Allele origin: germline. Inheritance: Autosomal dominant inheritance.

Molecular Genetics Laboratory, London Health Sciences Centre
Classification: Pathogenic for Charcot-Marie-Tooth disease. Review status: criteria provided, single submitter. Criteria: ACMG Guidelines, 2015. Collection method: clinical testing. Allele origin: germline. Affected: yes.

Inherited Neuropathy Consortium
Classification: Uncertain significance for Charcot-Marie-Tooth disease. Review status: no assertion criteria provided. Collection method: literature only. Allele origin: germline. Affected: yes. Not counted in ClinVar's aggregate classification.

Next Generation Genetic Polyclinic
Classification: Pathogenic for Neuronopathy, distal hereditary motor, type 2B. Review status: no assertion criteria provided. Collection method: clinical testing. Allele origin: de novo. Affected: yes. Not counted in ClinVar's aggregate classification.

Literature cited by the submitters: PubMed 38968664 (cited by Women's Health and Genetics/Laboratory Corporation of America, LabCorp); PubMed 21611841 (cited by Labcorp Genetics (formerly Invitae), Labcorp and Athena Diagnostics); PubMed 22176143 (cited by 4 submitters); PubMed 25547330 (cited by 4 submitters); PubMed 26989944 (cited by Labcorp Genetics (formerly Invitae), Labcorp); PubMed 15122254 (cited by Labcorp Genetics (formerly Invitae), Labcorp); PubMed 20178975 (cited by Labcorp Genetics (formerly Invitae), Labcorp); PubMed 22521462 (cited by Labcorp Genetics (formerly Invitae), Labcorp); PubMed 24607769 (cited by Ambry Genetics); PubMed 12372593 (cited by Ambry Genetics).